The following is an entry in ClinVar:

NM_000168.6(GLI3):c.313C>T (p.Arg105Cys)

Gene: GLI3 (GLI family zinc finger 3; minus strand). Cytogenetic location: 7p14.1.
Variant type: single nucleotide variant.
Coding change: c.313C>T on transcript NM_000168.6 (MANE Select); coding-DNA position 313, C replaced by T.
Protein change: p.Arg105Cys; replaces arginine 105 with cysteine.
Molecular consequence: missense variant.
Genome position (GRCh38, 1-based): chr7:42,148,280, G>A on the plus strand (C>T on the coding strand, the complement: GLI3 is on the minus strand). VCF-style: chr7-42148280-G-A. GRCh37 (hg19) VCF-style: chr7-42187879-G-A.
Other names: short protein forms R105C.
Identifiers: ClinVar variation 373137 (VCV000373137.6), dbSNP rs555794809, ClinGen allele CA4231249.

ClinVar aggregate classification (germline): Conflicting classifications of pathogenicity. Review status: criteria provided, conflicting classifications (1 of 4 stars). 2 submissions from 2 submitters: Uncertain significance (1); Likely benign (1). Last evaluated 2024-10-24.

Conditions:
Pallister-Hall syndrome (PHS). Also called: HYPOTHALAMIC HAMARTOBLASTOMA, HYPOPITUITARISM, IMPERFORATE ANUS, AND POSTAXIAL POLYDACTYLY; GLI3-Related Pallister-Hall Syndrome. Identifiers: Orphanet 672, MedGen C0265220, MONDO:0007804, OMIM 146510.
Greig cephalopolysyndactyly syndrome (GCPS). Also called: POLYSYNDACTYLY WITH PECULIAR SKULL SHAPE; GLI3-Related Greig Cephalopolysyndactyly Syndrome; Greig syndrome. Identifiers: Orphanet 380, MedGen C0265306, MONDO:0008287, OMIM 175700.

Allele frequency attached by ClinVar (database versions not stated): gnomAD exomes 0.00004; 1000 Genomes Project 30x 0.00016; 1000 Genomes Project 0.00020; ExAC 0.00002; TOPMed 0.00002; gnomAD 0.00003.
gnomAD v4.1: 59 of 1,612,994 alleles (0.0037%); highest among the groups gnomAD compares: African/African-American, 0.0067%; no homozygotes.

Submissions (2):

Labcorp Genetics (formerly Invitae), Labcorp
Classification: Likely benign for Pallister-Hall syndrome; Greig cephalopolysyndactyly syndrome. Last evaluated: 2024-10-24. Review status: criteria provided, single submitter. Criteria: Invitae Variant Classification Sherloc (09022015). Collection method: clinical testing. Allele origin: germline.

GeneDx
Classification: Uncertain significance. Last evaluated: 2016-11-23. Review status: criteria provided, single submitter. Criteria: GeneDx Variant Classification (06012015). Collection method: clinical testing. Allele origin: germline. Affected: yes.
Comment: The R105C variant in the GLI3 gene has not been reported previously as a pathogenic variant, nor as a benign variant, to our knowledge. The R105C variant was not observed in approximately 6500 individuals of European and African American ancestry in the NHLBI Exome Sequencing Project, indicating it is not a common benign variant in these populations. The R105C variant is a non-conservative amino acid substitution, which is likely to impact secondary protein structure as these residues differ in polarity, charge, size and/or other properties. This substitution occurs at a position that is conserved across species. In silico analysis predicts this variant is probably damaging to the protein structure/function. We interpret R105C as a variant of uncertain significance.